The following is an entry in ClinVar:

ClinVar aggregate classification (germline): Pathogenic (1 of 4 stars; one submission).

Conditions:
Carnitine palmitoyltransferase II deficiency. Also called: Carnitine Palmitoyltransferase 2 Deficiency. Identifiers: Orphanet 157, MedGen C0342790, MONDO:0015515.

Submission:

Labcorp Genetics (formerly Invitae), Labcorp
Classification: Pathogenic for Carnitine palmitoyltransferase II deficiency. Last evaluated: 2019-04-22. Review status: criteria provided, single submitter. Criteria: Invitae Variant Classification Sherloc (09022015). Collection method: clinical testing. Allele origin: unknown.
Comment: For these reasons, this variant has been classified as Pathogenic. This variant is expected to disrupt the C-terminus of the CPT2 protein. Other variant(s) that disrupt this region (p.Glu645Argfs*5) have been determined to be pathogenic (PMID:¬†17936304,¬†21913903). This suggests that variants that disrupt this region of the protein are likely to be causative of disease. This variant has not been reported in the literature in individuals with CPT2-related conditions. This variant is a deletion of the genomic region encompassing part of exon 4 (c.1444_1645+364del) of the CPT2 gene. While this is not anticipated to result in nonsense mediated decay, it likely alters RNA splicing and results in a disrupted protein product.

NC_000001.10:g.(?_53676790)_(53677355_?)del

Gene: CPT2 (carnitine palmitoyltransferase 2; plus strand). Cytogenetic location: 1p32.3.
Variant type: Deletion.
Identifiers: ClinVar variation 3247690 (VCV003247690.1).